The following is an entry in ClinVar:

ClinVar aggregate classification (germline): Likely pathogenic (1 of 4 stars; one submission).

Conditions:
Factor XIII, b subunit, deficiency of. Also called: Factor XIII subunit B deficiency. Identifiers: Orphanet 331, MedGen C2750481, MONDO:0013190, OMIM 613235, HP:0040234.

gnomAD v4.1: 2 of 1,613,092 alleles (0.00012%); highest among the groups gnomAD compares: Non-Finnish European, 0.00017%; no homozygotes.

Submission:

Juno Genomics, Hangzhou Juno Genomics, Inc
Classification: Likely pathogenic for Factor XIII, b subunit, deficiency of. Review status: criteria provided, single submitter. Criteria: ACMG Guidelines, 2015. Collection method: clinical testing. Allele origin: germline. Affected: yes.
Comment: Absent from controls (or at extremely low frequency if recessive) in Genome Aggregation Database, Exome Sequencing Project, 1000 Genomes Project, or Exome Aggregation Consortium.;Null variant in a gene where loss of function (LOF) is a known mechanism of disease.

NM_001994.3(F13B):c.1317C>A (p.Cys439Ter)

Gene: F13B (coagulation factor XIII B chain; minus strand). Cytogenetic location: 1q31.3.
Variant type: single nucleotide variant.
Coding change: c.1317C>A on transcript NM_001994.3 (MANE Select); coding-DNA position 1317, C replaced by A.
Protein change: p.Cys439Ter; replaces cysteine 439 with a stop codon.
Molecular consequence: nonsense.
Genome position (GRCh38, 1-based): chr1:197,055,752, G>T on the plus strand (C>A on the coding strand, the complement: F13B is on the minus strand). VCF-style: chr1-197055752-G-T. GRCh37 (hg19) VCF-style: chr1-197024882-G-T.
Other names: short protein forms C439*.
Identifiers: ClinVar variation 3899383 (VCV003899383.2).